The following is an entry in ClinVar:

NM_015443.4(KANSL1):c.500A>G (p.His167Arg)

Gene: KANSL1 (KAT8 regulatory NSL complex subunit 1). Cytogenetic location: 17q21.31.
Variant type: single nucleotide variant.
Coding change: c.500A>G on transcript NM_015443.4 (MANE Select); coding-DNA position 500, A replaced by G.
Protein change: p.His167Arg; replaces histidine 167 with arginine.
Molecular consequence: missense variant.
Genome position (GRCh38, 1-based): chr17:46,171,644, T>C on the plus strand (A>G on the coding strand, the complement: KANSL1 is on the minus strand). VCF-style: chr17-46171644-T-C. GRCh37 (hg19) VCF-style: chr17-44249010-T-C.
Other names: p.H167R:CAT>CGT; c.500A>G, p.His167Arg (NM_001193465.2, NM_001193466.2, NM_001379198.1); short protein forms H167R.
Identifiers: ClinVar variation 205768 (VCV000205768.9), dbSNP rs779594202, ClinGen allele CA315162.

ClinVar aggregate classification (germline): Conflicting classifications of pathogenicity. Review status: criteria provided, conflicting classifications (1 of 4 stars). 3 submissions from 3 submitters: Uncertain significance (1); Likely benign (2). Last evaluated 2021-10-29.

Conditions:
Inborn genetic diseases. Identifiers: MedGen C0950123, MeSH D030342.
Koolen-de Vries syndrome (KDVS). Identifiers: Orphanet 96169, MedGen C1864871, MONDO:0012496, OMIM 610443.

Allele frequency attached by ClinVar (database versions not stated): gnomAD 0.00001; TOPMed 0.00002; ExAC 0.00005.
gnomAD v4.1: 18 of 1,557,192 alleles (0.0012%); highest among the groups gnomAD compares: Admixed American, 0.027%; no homozygotes.

Submissions (3):

Ambry Genetics
Classification: Likely benign for Inborn genetic diseases. Last evaluated: 2021-10-29. Review status: criteria provided, single submitter. Criteria: Ambry Variant Classification Scheme 2023. Collection method: clinical testing. Allele origin: germline.

Labcorp Genetics (formerly Invitae), Labcorp
Classification: Uncertain significance for Koolen-de Vries syndrome. Last evaluated: 2021-07-13. Review status: criteria provided, single submitter. Criteria: Invitae Variant Classification Sherloc (09022015). Collection method: clinical testing. Allele origin: germline.
Comment: Due to the possible presence of a polymorphic segmental duplication, the location of the variant could not be unambiguously resolved. Variants with ambiguous mapping are still reported relative to the KANSL1 transcript. This sequence change replaces histidine with arginine at codon 167 of the KANSL1 protein (p.His167Arg). The histidine residue is highly conserved and there is a small physicochemical difference between histidine and arginine. The frequency data for this variant in the population databases (ExAC) is considered unreliable due to the presence of homologous sequence, such as pseudogenes or paralogs, in the genome. This variant has not been reported in the literature in individuals with KANSL1-related conditions. ClinVar contains an entry for this variant (Variation ID: 205768). Algorithms developed to predict the effect of missense changes on protein structure and function (SIFT, PolyPhen-2, Align-GVGD) all suggest that this variant is likely to be tolerated. Until the location of this sequence change can be resolved, the clinical significance of this variant remains uncertain. It has been classified as a Variant of Uncertain Significance.

GeneDx
Classification: Likely benign. Last evaluated: 2019-03-28. Review status: criteria provided, single submitter. Criteria: GeneDx Variant Classification Process June 2021. Collection method: clinical testing. Allele origin: germline. Affected: yes.